The following is an entry in ClinVar:

ClinVar aggregate classification (germline): Likely pathogenic (0 of 4 stars; one submission).

Conditions:
Retinoblastoma (RB1). Also called: RETINOBLASTOMA, SOMATIC. Identifiers: Orphanet 790, MedGen C0035335, MeSH D012175, MONDO:0008380, OMIM 180200, HP:0009919. Disease mechanism: loss of function. Inheritance: Both sporadic and heritable forms are tested..

Submission:

deCODE genetics, Amgen
Classification: Likely pathogenic for Retinoblastoma. Last evaluated: 2023-07-21. Review status: no assertion criteria provided. Collection method: research. Allele origin: germline. Affected: yes. Observed: 1 variant allele.
Comment: The variant NM_000321.3:c.402dup (chr13:48345100) in RB1 was detected in 1 heterozygote out of 58K WGS Icelanders (MAF= 0,001%). This variant has not been reported in ClinVar previously. Based on ACMG criteria (PVS1, PM2) this variant classifies as likely pathogenic.

NM_000321.3(RB1):c.402dup (p.Leu135fs)

Gene: RB1 (RB transcriptional corepressor 1; plus strand). Cytogenetic location: 13q14.2.
Variant type: Duplication.
Coding change: c.402dup on transcript NM_000321.3 (MANE Select); coding-DNA position 402, one base duplicated (A; older notation c.402dupA).
Protein change: p.Leu135fs; shifts the reading frame from leucine 135.
Molecular consequence: frameshift variant.
Genome position (GRCh38, 1-based): chr13:48,345,101, A duplicated. VCF-style (leftmost placement, unchanged base first): chr13-48345100-T-TA. GRCh37 (hg19) VCF-style: chr13-48919236-T-TA.
Other names: c.402dup, p.Leu135fs (NM_001407165.1, NM_001407166.1); short protein forms L135fs.
Identifiers: ClinVar variation 2574112 (VCV002574112.1), dbSNP rs2542159239, ClinGen allele CA645578605.